The following is an entry in ClinVar:

ClinVar aggregate classification (germline): Uncertain significance. Review status: criteria provided, multiple submitters, no conflicts (2 of 4 stars). 2 submissions from 2 submitters: Uncertain significance (2). Last evaluated 2025-01-23.

Conditions:
Hereditary cancer-predisposing syndrome. Also called: Neoplastic Syndromes, Hereditary; Tumor predisposition; Hereditary Cancer Syndrome; Hereditary neoplastic syndrome. Identifiers: Orphanet 140162, MedGen C0027672, MeSH D009386, MONDO:0015356.
Gastrointestinal stromal tumor. Also called: Gastrointestinal stromal tumor, somatic; Gastrointestinal stroma tumor. Identifiers: Orphanet 44890, MedGen C0238198, MeSH D046152, MONDO:0011719, OMIM 606764, HP:0100723.

Submissions (2):

Ambry Genetics
Classification: Uncertain significance for Hereditary cancer-predisposing syndrome. Last evaluated: 2025-01-23. Review status: criteria provided, single submitter. Criteria: Ambry Variant Classification Scheme 2023. Collection method: clinical testing. Allele origin: germline.
Comment: The p.H104L variant (also known as c.311A>T), located in coding exon 2 of the PDGFRA gene, results from an A to T substitution at nucleotide position 311. The histidine at codon 104 is replaced by leucine, an amino acid with similar properties. This amino acid position is conserved. In addition, this alteration is predicted to be tolerated by in silico analysis. Based on the available evidence, the clinical significance of this variant remains unclear.

Labcorp Genetics (formerly Invitae), Labcorp
Classification: Uncertain significance for Gastrointestinal stromal tumor. Last evaluated: 2025-01-16. Review status: criteria provided, single submitter. Criteria: Invitae Variant Classification Sherloc (09022015). Collection method: clinical testing. Allele origin: germline.
Comment: This sequence change replaces histidine, which is basic and polar, with leucine, which is neutral and non-polar, at codon 104 of the PDGFRA protein (p.His104Leu). This variant is not present in population databases (gnomAD no frequency). This variant has not been reported in the literature in individuals affected with PDGFRA-related conditions. Invitae Evidence Modeling of protein sequence and biophysical properties (such as structural, functional, and spatial information, amino acid conservation, physicochemical variation, residue mobility, and thermodynamic stability) indicates that this missense variant is not expected to disrupt PDGFRA protein function with a negative predictive value of 80%. In summary, the available evidence is currently insufficient to determine the role of this variant in disease. Therefore, it has been classified as a Variant of Uncertain Significance.

NM_006206.6(PDGFRA):c.311A>T (p.His104Leu)

Gene: PDGFRA (platelet derived growth factor receptor alpha; plus strand). Cytogenetic location: 4q12.
Variant type: single nucleotide variant.
Coding change: c.311A>T on transcript NM_006206.6 (MANE Select); coding-DNA position 311, A replaced by T.
Protein change: p.His104Leu; replaces histidine 104 with leucine.
Molecular consequence: missense variant.
Genome position (GRCh38, 1-based): chr4:54,261,356, A>T. VCF-style: chr4-54261356-A-T. GRCh37 (hg19) VCF-style: chr4-55127523-A-T.
Other names: c.311A>T, p.His104Leu (NM_001347827.2, NM_001347829.2); c.386A>T, p.His129Leu (NM_001347828.2); c.350A>T, p.His117Leu (NM_001347830.2); short protein forms H117L, H129L, H104L.
Identifiers: ClinVar variation 3664684 (VCV003664684.3).